The following is an entry in ClinVar:

NM_001563.4(IMPG1):c.562+1G>A

Gene: IMPG1 (interphotoreceptor matrix proteoglycan 1; minus strand). Cytogenetic location: 6q14.1.
Variant type: single nucleotide variant.
Coding change: c.562+1G>A on transcript NM_001563.4 (MANE Select); the canonical splice donor site of the intron after coding-DNA position 562, G replaced by A.
Molecular consequence: splice donor variant.
Genome position (GRCh38, 1-based): chr6:76,025,193, C>T on the plus strand (G>A on the coding strand, the complement: IMPG1 is on the minus strand). VCF-style: chr6-76025193-C-T. GRCh37 (hg19) VCF-style: chr6-76734910-C-T.
Other names: c.328+1G>A (NM_001282368.2).
Identifiers: ClinVar variation 4703252 (VCV004703252.1).

ClinVar aggregate classification (germline): Likely pathogenic (1 of 4 stars; one submission).

gnomAD v4.1: 10 of 1,575,746 alleles (0.00063%); highest among the groups gnomAD compares: South Asian, 0.0011%; no homozygotes.

Submission:

Labcorp Genetics (formerly Invitae), Labcorp
Classification: Likely pathogenic. Last evaluated: 2025-10-14. Review status: criteria provided, single submitter. Criteria: Invitae Variant Classification Sherloc (09022015). Collection method: clinical testing. Allele origin: germline.
Comment: This sequence change affects a donor splice site in intron 5 of the IMPG1 gene. It is expected to disrupt RNA splicing. Variants that disrupt the donor or acceptor splice site typically lead to a loss of protein function (PMID: 16199547), and loss-of-function variants in IMPG1 are known to be pathogenic (PMID: 23993198). This variant is not present in population databases (gnomAD no frequency). This variant has not been reported in the literature in individuals affected with IMPG1-related conditions. Algorithms developed to predict the effect of sequence changes on RNA splicing suggest that this variant may disrupt the consensus splice site. In summary, the currently available evidence indicates that the variant is pathogenic, but additional data are needed to prove that conclusively. Therefore, this variant has been classified as Likely Pathogenic.

Literature cited by the submitters: PubMed 16199547; PubMed 23993198.